The following is an entry in ClinVar:

NM_000303.3(PMM2):c.16_22del (p.Pro6fs)

Gene: PMM2 (phosphomannomutase 2; plus strand). Cytogenetic location: 16p13.2.
Variant type: Deletion.
Coding change: c.16_22del on transcript NM_000303.3 (MANE Select); coding-DNA positions 16 to 22, 7 bases deleted (CCAGCGC; older notation c.16_22delCCAGCGC).
Protein change: p.Pro6fs; shifts the reading frame from proline 6.
Molecular consequence: frameshift variant.
Genome position (GRCh38, 1-based): chr16:8,797,898-8,797,904, CCAGCGC deleted; deleting any 7 consecutive bases within chr16:8,797,896-8,797,904 gives the same sequence; the c. name uses the placement nearest the transcript's 3' end. VCF-style (leftmost placement, unchanged base first): chr16-8797895-GGCCCAGC-G. GRCh37 (hg19) VCF-style: chr16-8891752-GGCCCAGC-G.
Other names: short protein forms P6fs.
Identifiers: ClinVar variation 1393525 (VCV001393525.11), dbSNP rs2141014102, ClinGen allele CA2573152099.

ClinVar aggregate classification (germline): Pathogenic/Likely pathogenic. Review status: criteria provided, multiple submitters, no conflicts (2 of 4 stars). 3 submissions from 3 submitters: Pathogenic (1); Likely pathogenic (2). Last evaluated 2024-05-05.

Conditions:
PMM2-related disorder. Also called: PMM2-related condition.
PMM2-congenital disorder of glycosylation. Also called: PMM2-CDG; CARBOHYDRATE-DEFICIENT GLYCOPROTEIN SYNDROME, TYPE Ia; Congenital disorder of glycosylation, type Ia; CDG Ia; JAEKEN SYNDROME; PHOSPHOMANNOMUTASE 2 DEFICIENCY. Identifiers: Orphanet 79318, MedGen C0349653, MONDO:0008907, OMIM 212065.

Submissions (3):

Fulgent Genetics
Classification: Likely pathogenic for PMM2-congenital disorder of glycosylation. Last evaluated: 2024-05-05. Review status: criteria provided, single submitter. Criteria: ACMG Guidelines, 2015. Collection method: clinical testing. Allele origin: germline.

Blueprint Genetics
Classification: Likely pathogenic for PMM2-related disorders. Last evaluated: 2024-04-04. Review status: criteria provided, single submitter. Criteria: ACMG Guidelines, 2015. Collection method: clinical testing. Allele origin: germline. Affected: yes. Observed: 2 variant alleles.

Labcorp Genetics (formerly Invitae), Labcorp
Classification: Pathogenic for PMM2-congenital disorder of glycosylation. Last evaluated: 2023-11-27. Review status: criteria provided, single submitter. Criteria: Invitae Variant Classification Sherloc (09022015). Collection method: clinical testing. Allele origin: germline.
Comment: This sequence change creates a premature translational stop signal (p.Pro6Serfs*28) in the PMM2 gene. It is expected to result in an absent or disrupted protein product. Loss-of-function variants in PMM2 are known to be pathogenic (PMID: 19862844). This variant is not present in population databases (gnomAD no frequency). This variant has not been reported in the literature in individuals affected with PMM2-related conditions. ClinVar contains an entry for this variant (Variation ID: 1393525). For these reasons, this variant has been classified as Pathogenic.

Literature cited by the submitters: PubMed 19862844 (cited by Labcorp Genetics (formerly Invitae), Labcorp).